The following is an entry in ClinVar:

NM_001470.4(GABBR1):c.1709G>T (p.Gly570Val)

Gene: GABBR1 (gamma-aminobutyric acid type B receptor subunit 1; minus strand). Cytogenetic location: 6p22.1.
Variant type: single nucleotide variant.
Coding change: c.1709G>T on transcript NM_001470.4 (MANE Select); coding-DNA position 1709, G replaced by T.
Protein change: p.Gly570Val; replaces glycine 570 with valine.
Molecular consequence: missense variant.
Genome position (GRCh38, 1-based): chr6:29,609,379, C>A on the plus strand (G>T on the coding strand, the complement: GABBR1 is on the minus strand). VCF-style: chr6-29609379-C-A. GRCh37 (hg19) VCF-style: chr6-29577156-C-A.
Other names: c.1178G>T, p.Gly393Val (NM_001319053.2); c.1358G>T, p.Gly453Val (NM_021903.3); c.1523G>T, p.Gly508Val (NM_021904.4); short protein forms G393V, G453V, G508V, G570V.
Identifiers: ClinVar variation 3371044 (VCV003371044.1).

ClinVar aggregate classification (germline): Uncertain significance (1 of 4 stars; one submission).

Submission:

GeneDx
Classification: Uncertain significance. Last evaluated: 2024-03-21. Review status: criteria provided, single submitter. Criteria: GeneDx Variant Classification Process June 2021. Collection method: clinical testing. Allele origin: germline. Affected: yes.
Comment: Not observed at significant frequency in large population cohorts (gnomAD); In silico analysis supports that this missense variant has a deleterious effect on protein structure/function; Additionally, in silico analysis supports a deleterious effect on splicing; Has not been previously published as pathogenic or benign to our knowledge